The following is an entry in ClinVar:

ClinVar aggregate classification (germline): Uncertain significance (1 of 4 stars; one submission).

Allele frequency attached by ClinVar (database versions not stated): gnomAD 0.00003; gnomAD exomes 0.00003; ExAC 0.00007; ESP Exome Variant Server 0.00008.
gnomAD v4.1: 53 of 1,614,012 alleles (0.0033%); highest among the groups gnomAD compares: South Asian, 0.015%; 2 homozygotes.

Submission:

Labcorp Genetics (formerly Invitae), Labcorp
Classification: Uncertain significance. Last evaluated: 2026-01-06. Review status: criteria provided, single submitter. Criteria: Invitae Variant Classification Sherloc (09022015). Collection method: clinical testing. Allele origin: germline.
Comment: This sequence change replaces arginine, which is basic and polar, with glutamine, which is neutral and polar, at codon 757 of the ADGRE2 protein (p.Arg757Gln). This variant is present in population databases (rs376746197, gnomAD 0.01%). This variant has not been reported in the literature in individuals affected with ADGRE2-related conditions. ClinVar contains an entry for this variant (Variation ID: 3016964). An algorithm developed to predict the effect of missense changes on protein structure and function outputs the following: PolyPhen-2: "Benign". The glutamine amino acid residue is found in multiple mammalian species, which suggests that this missense change does not adversely affect protein function. In summary, the available evidence is currently insufficient to determine the role of this variant in disease. Therefore, it has been classified as a Variant of Uncertain Significance.

NM_013447.4(ADGRE2):c.2270G>A (p.Arg757Gln)

Gene: ADGRE2 (adhesion G protein-coupled receptor E2; minus strand). Cytogenetic location: 19p13.12.
Variant type: single nucleotide variant.
Coding change: c.2270G>A on transcript NM_013447.4 (MANE Select); coding-DNA position 2270, G replaced by A.
Protein change: p.Arg757Gln; replaces arginine 757 with glutamine.
Molecular consequence: missense variant.
Genome position (GRCh38, 1-based): chr19:14,743,698, C>T on the plus strand (G>A on the coding strand, the complement: ADGRE2 is on the minus strand). VCF-style: chr19-14743698-C-T. GRCh37 (hg19) VCF-style: chr19-14854510-C-T.
Other names: c.2096G>A, p.Arg699Gln (NM_001271052.1); c.2123G>A, p.Arg708Gln (NM_152916.2); c.1991G>A, p.Arg664Gln (NM_152917.2); short protein forms R757Q, R664Q, R699Q, R708Q.
Identifiers: ClinVar variation 3016964 (VCV003016964.3), dbSNP rs376746197, ClinGen allele CA9257420.